The following is an entry in ClinVar:

NM_016148.5(SHANK1):c.1366del (p.Ala456fs)

Gene: SHANK1 (SH3 and multiple ankyrin repeat domains 1; minus strand). Cytogenetic location: 19q13.33.
Variant type: Deletion.
Coding change: c.1366del on transcript NM_016148.5 (MANE Select); coding-DNA position 1366, one base deleted (G; older notation c.1366delG).
Protein change: p.Ala456fs; shifts the reading frame from alanine 456.
Molecular consequence: frameshift variant.
Genome position (GRCh38, 1-based): chr19:50,703,687, C deleted on the plus strand (G on the coding strand, the reverse complement: SHANK1 is on the minus strand); the first of 5 consecutive C bases (chr19:50,703,687-50,703,691); deleting any one gives the same sequence. VCF-style (leftmost placement, unchanged base first): chr19-50703686-GC-G. GRCh37 (hg19) VCF-style: chr19-51206943-GC-G.
Other names: short protein forms A456fs.
Identifiers: ClinVar variation 4531737 (VCV004531737.1).

ClinVar aggregate classification (germline): Pathogenic (1 of 4 stars; one submission).

Conditions:
Neurodevelopmental disorder. Identifiers: MedGen C1535926, MeSH D065886, MONDO:0700092.

Submission:

Victorian Clinical Genetics Services, Murdoch Childrens Research Institute
Classification: Pathogenic for Neurodevelopmental disorder. Last evaluated: 2025-04-01. Review status: criteria provided, single submitter. Criteria: ACMG Guidelines, 2015. Collection method: clinical testing. Allele origin: germline. Affected: yes.
Comment: This variant is classified as Pathogenic. Evidence in support of pathogenic classification: Variant is predicted to cause nonsense-mediated decay (NMD) and loss of protein (premature termination codon is located at least 54 nucleotides upstream of the final exon-exon junction); Variant is present in gnomAD <0.001 for a dominant condition (v4: 7 heterozygote(s), 0 homozygote(s)); Other NMD-predicted variant(s) comparable to the one identified in this case have very strong previous evidence for pathogenicity (DECIPHER). Additional information: This variant is heterozygous; This gene is associated with autosomal dominant disease; This variant has no previous evidence of pathogenicity; No published segregation evidence has been identified for this variant; No published functional evidence has been identified for this variant; Loss of function is a known mechanism of disease in this gene and is associated with neurodevelopmental disorder (MONDO:0700092), SHANK1-related; Variants in this gene are known to have variable expressivity. Some females with a large deletion encompassing part of SHANK1 have been noted to have a phenotype of severe anxiety (PMID: 22503632, 34113010, 35388181).

Literature cited by the submitters: PubMed 35388181; PubMed 34113010; PubMed 22503632.